The following is an entry in ClinVar:

NM_000059.4(BRCA2):c.7152del (p.Val2385fs)

Gene: BRCA2 (BRCA2 DNA repair associated; plus strand). Cytogenetic location: 13q13.1.
Variant type: Deletion.
Coding change: c.7152del on transcript NM_000059.4 (MANE Select); coding-DNA position 7152, one base deleted (A; older notation c.7152delA).
Protein change: p.Val2385fs; shifts the reading frame from valine 2385.
Molecular consequence: frameshift variant.
Genome position (GRCh38, 1-based): chr13:32,355,005, A deleted; the last of 2 consecutive A bases (chr13:32,355,004-32,355,005); deleting either gives the same sequence. VCF-style (leftmost placement, unchanged base first): chr13-32355003-CA-C. GRCh37 (hg19) VCF-style: chr13-32929140-CA-C.
Other names: 7380delA-ter2393; c.7152delA (NM_000059.3).
Identifiers: ClinVar variation 266987 (VCV000266987.5), dbSNP rs886040688, ClinGen allele CA10589414.

ClinVar aggregate classification (germline): Pathogenic. Review status: reviewed by expert panel (3 of 4 stars). 3 submissions from 3 submitters: Pathogenic (1). 2 of the submissions do not count toward it. Last evaluated 2016-10-18.

Conditions:
Breast-ovarian cancer, familial, susceptibility to, 2 (BROVCA2). Also called: BRCA2 Hereditary Breast and Ovarian Cancer. Identifiers: Orphanet 145, MedGen C2675520, MONDO:0012933, OMIM 612555. Disease mechanism: loss of function.
Hereditary breast ovarian cancer syndrome. Also called: BRCA1- and BRCA2-Associated Hereditary Breast and Ovarian Cancer; Hereditary breast and ovarian cancer; Breast and ovarian cancer; Hereditary breast and/or ovarian cancer syndrome; Hereditary breast and ovarian cancer syndrome; Hereditary breast and ovarian cancer syndrome (HBOC). Identifiers: Orphanet 145, MedGen C0677776, MeSH D061325, MONDO:0003582. Disease mechanism: loss of function.

Submissions (3):

Evidence-based Network for the Interpretation of Germline Mutant Alleles (ENIGMA)
Classification: Pathogenic for Breast-ovarian cancer, familial, susceptibility to, 2. Last evaluated: 2016-10-18. Review status: reviewed by expert panel. Criteria: ENIGMA BRCA1/2 Classification Criteria (2015). Collection method: curation. Allele origin: germline.
Comment: Variant allele predicted to encode a truncated non-functional protein.

Consortium of Investigators of Modifiers of BRCA1/2 (CIMBA), c/o University of Cambridge
Classification: Pathogenic for Breast-ovarian cancer, familial, susceptibility to, 2. Last evaluated: 2015-10-02. Review status: criteria provided, single submitter. Criteria: CIMBA Mutation Classification guidelines May 2016. Collection method: clinical testing. Allele origin: germline. Not counted in ClinVar's aggregate classification.

Research Molecular Genetics Laboratory, Women's College Hospital, University of Toronto
Classification: Pathogenic for Hereditary breast ovarian cancer syndrome. Last evaluated: 2014-01-31. Review status: no assertion criteria provided. Collection method: research. Allele origin: germline. Affected: yes. Study: The Canadian Open Genetics Repository (COGR). Not counted in ClinVar's aggregate classification.